The following is an entry in ClinVar:

NM_000368.5(TSC1):c.380T>C (p.Val127Ala)

Gene: TSC1 (TSC complex subunit 1; minus strand). Cytogenetic location: 9q34.13.
Variant type: single nucleotide variant.
Coding change: c.380T>C on transcript NM_000368.5 (MANE Select); coding-DNA position 380, T replaced by C.
Protein change: p.Val127Ala; replaces valine 127 with alanine.
Molecular consequence: missense variant.
Genome position (GRCh38, 1-based): chr9:132,923,476, A>G on the plus strand (T>C on the coding strand, the complement: TSC1 is on the minus strand). VCF-style: chr9-132923476-A-G. GRCh37 (hg19) VCF-style: chr9-135798863-A-G.
Other names: c.380T>C, p.Val127Ala (NM_001162426.2); c.227T>C, p.Val76Ala (NM_001162427.2); c.17T>C, p.Val6Ala (NM_001362177.2); short protein forms V6A, V76A, V127A.
Identifiers: ClinVar variation 1045167 (VCV001045167.9), dbSNP rs1444696723, ClinGen allele CA375373698.
Genomic context (GRCh38, chr9:132,923,476, plus strand): 5'-CCAGACTGTGGAATCATTGGTAGCATGGTTATCAACACCAAGACGCCTGTTGTGAGGACA[A>G]CGACGTCAGTGTCCATCTGCAGGAGAAAAGGTCAAACAGGAAACGTCTGTCAGGCACTGG-3'
Protein context (NP_000359.1, residues 117-137): LKCLKMDTDV[Val127Ala]VLTTGVLVLI

ClinVar aggregate classification (germline): Uncertain significance (1 of 4 stars; one submission).

Conditions:
Tuberous sclerosis 1 (TSC1). Identifiers: Orphanet 805, MedGen C1854465, MONDO:0008612, OMIM 191100.

Allele frequency attached by ClinVar (database versions not stated): gnomAD exomes below 0.00001; TOPMed below 0.00001; gnomAD 0.00001.
gnomAD v4.1: 2 of 1,614,050 alleles (0.00012%); highest among the groups gnomAD compares: African/African-American, 0.0027%; no homozygotes.

Submission:

Labcorp Genetics (formerly Invitae), Labcorp
Classification: Uncertain significance for Tuberous sclerosis 1. Last evaluated: 2023-12-05. Review status: criteria provided, single submitter. Criteria: Invitae Variant Classification Sherloc (09022015). Collection method: clinical testing. Allele origin: germline.
Comment: This sequence change replaces valine, which is neutral and non-polar, with alanine, which is neutral and non-polar, at codon 127 of the TSC1 protein (p.Val127Ala). This variant is not present in population databases (gnomAD no frequency). This variant has not been reported in the literature in individuals affected with TSC1-related conditions. ClinVar contains an entry for this variant (Variation ID: 1045167). Advanced modeling of protein sequence and biophysical properties (such as structural, functional, and spatial information, amino acid conservation, physicochemical variation, residue mobility, and thermodynamic stability) performed at Invitae indicates that this missense variant is not expected to disrupt TSC1 protein function with a negative predictive value of 95%. In summary, the available evidence is currently insufficient to determine the role of this variant in disease. Therefore, it has been classified as a Variant of Uncertain Significance.